The following is an entry in ClinVar:

NM_016169.4(SUFU):c.597+5G>A

Gene: SUFU (SUFU negative regulator of hedgehog signaling; plus strand). Cytogenetic location: 10q24.32.
Variant type: single nucleotide variant.
Coding change: c.597+5G>A on transcript NM_016169.4 (MANE Select); 5 bases into the intron after coding-DNA position 597, G replaced by A.
Molecular consequence: intron variant.
Genome position (GRCh38, 1-based): chr10:102,592,729, G>A. VCF-style: chr10-102592729-G-A. GRCh37 (hg19) VCF-style: chr10-104352486-G-A.
Other names: c.597+5G>A (NM_001178133.2).
Identifiers: ClinVar variation 826086 (VCV000826086.16), dbSNP rs1590062007, ClinGen allele CA915947555.

ClinVar aggregate classification (germline): Conflicting classifications of pathogenicity. Review status: criteria provided, conflicting classifications (1 of 4 stars). 3 submissions from 3 submitters: Uncertain significance (2); Likely benign (1). Last evaluated 2025-12-26.

Conditions:
Hereditary cancer-predisposing syndrome. Also called: Hereditary Cancer Syndrome; Neoplastic Syndromes, Hereditary; Tumor predisposition; Hereditary neoplastic syndrome. Identifiers: Orphanet 140162, MedGen C0027672, MeSH D009386, MONDO:0015356.
Gorlin syndrome. Also called: Basal cell nevus syndrome; Nevoid Basal Cell Carcinoma Syndrome. Identifiers: Orphanet 377, MedGen C0004779, MONDO:0007187.
Medulloblastoma (MDB). Also called: Medulloblastoma, somatic; MEDULLOBLASTOMA PREDISPOSITION SYNDROME. Identifiers: Orphanet 616, MedGen C0025149, MeSH D008527, MONDO:0007959, OMIM 155255, HP:0002885.

Allele frequency attached by ClinVar (database versions not stated): gnomAD exomes below 0.00001.
gnomAD v4.1: 2 of 1,613,920 alleles (0.00012%); highest among the groups gnomAD compares: Non-Finnish European, 0.000085%; no homozygotes.

Submissions (3):

Dasa
Classification: Uncertain significance. Last evaluated: 2025-12-26. Review status: criteria provided, single submitter. Criteria: DASA Assertion Criteria. Collection method: clinical testing. Allele origin: germline.
Comment: NM_016169.4(SUFU):c.597+5G>A is a splice-region variant predicted to affect normal RNA splicing. This variant is rare in population databases. Computational prediction algorithms are consistent with a deleterious effect. The currently available literature and clinical evidence are not sufficient to establish a definitive association between this variant and the reported condition. Therefore, this variant is classified as a variant of uncertain significance.

Labcorp Genetics (formerly Invitae), Labcorp
Classification: Likely benign for Gorlin syndrome; Medulloblastoma. Last evaluated: 2025-07-18. Review status: criteria provided, single submitter. Criteria: Invitae Variant Classification Sherloc (09022015). Collection method: clinical testing. Allele origin: germline.

Ambry Genetics
Classification: Uncertain significance for Hereditary cancer-predisposing syndrome. Last evaluated: 2025-01-14. Review status: criteria provided, single submitter. Criteria: Ambry Variant Classification Scheme 2023. Collection method: clinical testing. Allele origin: germline.
Comment: The c.597+5G>A intronic variant results from a G to A substitution 5 nucleotides after coding exon 4 in the SUFU gene. This nucleotide position is highly conserved in available vertebrate species. In silico splice site analysis predicts that this alteration may weaken the efficiency of the native donor site and will result in the creation or strengthening of a novel splice donor site. RNA studies have demonstrated that this alteration results in an incomplete splice defect; the clinical impact of this abnormal splicing is unknown at this time (Ambry internal data). Since supporting evidence is limited at this time, the clinical significance of this alteration remains unclear.